The following is an entry in ClinVar:

NM_001111.5(ADAR):c.1099A>G (p.Arg367Gly)

Gene: ADAR (adenosine deaminase RNA specific; minus strand). Cytogenetic location: 1q21.3.
Variant type: single nucleotide variant.
Coding change: c.1099A>G on transcript NM_001111.5 (MANE Select); coding-DNA position 1099, A replaced by G.
Protein change: p.Arg367Gly; replaces arginine 367 with glycine.
Molecular consequence: missense variant.
Genome position (GRCh38, 1-based): chr1:154,601,543, T>C on the plus strand (A>G on the coding strand, the complement: ADAR is on the minus strand). VCF-style: chr1-154601543-T-C. GRCh37 (hg19) VCF-style: chr1-154574019-T-C.
Other names: c.214A>G, p.Arg72Gly (NM_001025107.3, NM_001193495.2, NM_001365046.1 and 3 more transcripts); c.1126A>G, p.Arg376Gly (NM_001365045.1); c.1099A>G, p.Arg367Gly (NM_015840.4, NM_015841.4); short protein forms R376G, R367G, R72G.
Identifiers: ClinVar variation 2924637 (VCV002924637.3), dbSNP rs749219840, ClinGen allele CA1131590.

ClinVar aggregate classification (germline): Uncertain significance (1 of 4 stars; one submission).

Conditions:
Symmetrical dyschromatosis of extremities (DSH). Also called: RETICULATE ACROPIGMENTATION OF DOHI; SYMMETRIC DYSCHROMATOSIS OF THE EXTREMITIES; DYSCHROMATOSIS SYMMETRICA HEREDITARIA 1; Dyschromatosis symmetrica hereditaria. Identifiers: Orphanet 41, MedGen C0406775, MONDO:0007483, OMIM 127400.
Aicardi-Goutieres syndrome 6 (AGS6). Identifiers: Orphanet 51, MedGen C3539013, MONDO:0014007, OMIM 615010.

Allele frequency attached by ClinVar (database versions not stated): ExAC 0.00001.
gnomAD v4.1: 3 of 1,613,226 alleles (0.00019%); highest among the groups gnomAD compares: East Asian, 0.0022%; no homozygotes.

Submission:

Labcorp Genetics (formerly Invitae), Labcorp
Classification: Uncertain significance for Aicardi-Goutieres syndrome 6; Symmetrical dyschromatosis of extremities. Last evaluated: 2023-08-10. Review status: criteria provided, single submitter. Criteria: Invitae Variant Classification Sherloc (09022015). Collection method: clinical testing. Allele origin: germline.
Comment: This sequence change replaces arginine, which is basic and polar, with glycine, which is neutral and non-polar, at codon 367 of the ADAR protein (p.Arg367Gly). This variant is present in population databases (rs749219840, gnomAD 0.006%). This variant has not been reported in the literature in individuals affected with ADAR-related conditions. Advanced modeling of protein sequence and biophysical properties (such as structural, functional, and spatial information, amino acid conservation, physicochemical variation, residue mobility, and thermodynamic stability) performed at Invitae indicates that this missense variant is not expected to disrupt ADAR protein function. In summary, the available evidence is currently insufficient to determine the role of this variant in disease. Therefore, it has been classified as a Variant of Uncertain Significance.